The following is an entry in ClinVar:

ClinVar aggregate classification (germline): Uncertain significance (1 of 4 stars; one submission).

Conditions:
KIDINS220-related disorder. Also called: KIDINS220-related condition.

Submission:

PreventionGenetics, part of Exact Sciences
Classification: Uncertain significance for KIDINS220-related condition. Last evaluated: 2025-02-13. Review status: criteria provided, single submitter. Criteria: ACMG Guidelines, 2015. Collection method: clinical testing. Allele origin: germline.
Comment: The KIDINS220 c.398C>T variant is predicted to result in the amino acid substitution p.Thr133Ile. To our knowledge, this variant has not been reported in the literature or in a large population database (gnomAD), indicating this variant is rare. At this time, the clinical significance of this variant is uncertain due to the absence of conclusive functional and genetic evidence.

NM_020738.4(KIDINS220):c.398C>T (p.Thr133Ile)

Gene: KIDINS220 (kinase D interacting substrate 220; minus strand). Cytogenetic location: 2p25.1.
Variant type: single nucleotide variant.
Coding change: c.398C>T on transcript NM_020738.4 (MANE Select); coding-DNA position 398, C replaced by T.
Protein change: p.Thr133Ile; replaces threonine 133 with isoleucine.
Molecular consequence: missense variant. On other transcripts: non-coding transcript variant (2).
Genome position (GRCh38, 1-based): chr2:8,813,244, G>A on the plus strand (C>T on the coding strand, the complement: KIDINS220 is on the minus strand). VCF-style: chr2-8813244-G-A. GRCh37 (hg19) VCF-style: chr2-8953374-G-A.
Other names: c.398C>T, p.Thr133Ile (NM_001348729.2, NM_001348731.2, NM_001348732.2 and 9 more transcripts); c.272C>T, p.Thr91Ile (NM_001348736.2); short protein forms T133I, T91I.
Identifiers: ClinVar variation 4999260 (VCV004999260.1).